The following is an entry in ClinVar:

NM_018941.4(CLN8):c.209G>T (p.Arg70Leu)

Gene: CLN8 (CLN8 transmembrane ER and ERGIC protein; plus strand). Cytogenetic location: 8p23.3.
Variant type: single nucleotide variant.
Coding change: c.209G>T on transcript NM_018941.4 (MANE Select); coding-DNA position 209, G replaced by T.
Protein change: p.Arg70Leu; replaces arginine 70 with leucine.
Molecular consequence: missense variant.
Genome position (GRCh38, 1-based): chr8:1,771,263, G>T. VCF-style: chr8-1771263-G-T. GRCh37 (hg19) VCF-style: chr8-1719429-G-T.
Other names: short protein forms R70L.
Identifiers: ClinVar variation 3911946 (VCV003911946.2).

ClinVar aggregate classification (germline): Uncertain significance (1 of 4 stars; one submission).

Submission:

Women's Health and Genetics/Laboratory Corporation of America, LabCorp
Classification: Uncertain significance. Last evaluated: 2025-07-03. Review status: criteria provided, single submitter. Criteria: LabCorp Variant Classification Summary - May 2015. Collection method: clinical testing. Allele origin: germline.
Comment: Variant summary: CLN8 c.209G>T (p.Arg70Leu) results in a non-conservative amino acid change in the encoded protein sequence. Algorithms developed to predict the effect of missense changes on protein structure and function all suggest that this variant is likely to be disruptive. The variant was absent in 251400 control chromosomes (gnomAD). The available data on variant occurrences in the general population are insufficient to allow any conclusion about variant significance. To our knowledge, no occurrence of c.209G>T in individuals affected with Neuronal Ceroid-Lipofuscinosis (Batten Disease) and no experimental evidence demonstrating its impact on protein function have been reported. A different variant affecting the same codon has been classified as likely pathogenic by our lab (c.209G>A, p.Arg70His). No submitters have cited clinical-significance assessments for this variant to ClinVar. Based on the evidence outlined above, the variant was classified as uncertain significance.